The following is an entry in ClinVar:

ClinVar aggregate classification (germline): Pathogenic/Likely pathogenic. Review status: criteria provided, multiple submitters, no conflicts (2 of 4 stars). 15 submissions from 14 submitters: Pathogenic (11); Likely pathogenic (3). 1 of the submissions does not count toward it. Last evaluated 2026-06-16.

Conditions:
Intellectual developmental disorder, autosomal dominant 44, with microcephaly. Also called: Micrognathia-recurrent infections-behavioral abnormalities-mild intellectual disability syndrome; TRIO-Related Intellectual Disability. Identifiers: Orphanet 476126, MedGen C4310740, MONDO:0014892, OMIM 617061.
Intellectual developmental disorder, autosomal dominant 63, with macrocephaly. Also called: MENTAL RETARDATION, AUTOSOMAL DOMINANT 63, WITH MACROCEPHALY. Identifiers: MedGen C5394205, MONDO:0032939, OMIM 618825.
Paediatric disorders.
TRIO-related disorder. Also called: TRIO-related condition; TRIO-related disorders.
Inborn genetic diseases. Identifiers: MedGen C0950123, MeSH D030342.

Submissions 1 to 13 of 15:

Ambry Genetics
Classification: Pathogenic for Inborn genetic diseases. Last evaluated: 2026-06-16. Review status: criteria provided, single submitter. Criteria: Ambry Variant Classification Scheme 2023. Collection method: clinical testing. Allele origin: germline.
Comment: The c.4394A>G (p.N1465S) alteration is located in exon 29 (coding exon 29) of the TRIO gene. This alteration results from an A to G substitution at nucleotide position 4394, causing the asparagine (N) at amino acid position 1465 to be replaced by a serine (S). for TRIO-related neurodevelopmental disorder with microcephaly; however, it is unlikely to be causative of TRIO-related neurodevelopmental disorder with macrocephaly. This variant was not reported in population-based cohorts in the Genome Aggregation Database (gnomAD). This variant was reported in individual(s) with features consistent with TRIO-related neurodevelopmental disorder with microcephaly; in at least one individual, it was determined to be de novo (Gazdagh, 2023; Mercan, 2023; Tian, 2024; external communication). This amino acid position is highly conserved in available vertebrate species. This missense alteration is located in a region that has a low rate of benign missense variation (Lek, 2016; Firth, 2009). In an assay testing TRIO function, this variant showed a functionally abnormal result (Gazdagh, 2023). The in silico prediction for this alteration is inconclusive. Based on the available evidence, this alteration is classified as pathogenic.

Victorian Clinical Genetics Services, Murdoch Childrens Research Institute
Classification: Pathogenic for Intellectual developmental disorder, autosomal dominant 44, with microcephaly. Last evaluated: 2026-05-18. Review status: criteria provided, single submitter. Criteria: ACMG Guidelines, 2015. Collection method: clinical testing. Allele origin: germline. Affected: yes.
Comment: This variant is classified as Pathogenic. Evidence in support of pathogenic classification: Variant is absent from gnomAD (v2, v3 and v4); This variant has strong previous evidence of pathogenicity in unrelated individuals. This variant has been classified as pathogenic or likely pathogenic by clinical laboratories (ClinVar) and reported to be de novo in one individual with moderate global developmental delay and microcephaly (DECIPHER); Missense variant predicted to be damaging by in silico tool(s) or highly conserved with a major amino acid change; Additional information: Variant is predicted to result in a missense amino acid change from Asn to Ser; This variant is heterozygous; This gene is associated with autosomal dominant disease; No comparable variants have previous evidence for pathogenicity; Variant is located in the annotated RhoGEF domain (DECIPHER); Both loss- and gain-of-function are known mechanisms of disease for this gene. Loss-of-function variants and missense variants within the RhoGEF domain are associated with microcephaly while gain-of-function missense variants within the 7th spectrin repeat are associated with macrocephaly (PMID: 32109419).

North West Genomic Laboratory Hub, Manchester University NHS Foundation Trust
Classification: Pathogenic for Paediatric disorders. Last evaluated: 2025-08-28. Review status: criteria provided, single submitter. Criteria: ACGS Best Practice Guidelines for Variant Classification in Rare Disease 2024. Collection method: clinical testing. Allele origin: germline. Affected: yes.
Comment: PP3_Supp PS4_Mod PM2_Mod PS2_Str PP2_Supp

Dasa
Classification: Likely pathogenic. Last evaluated: 2025-03-15. Review status: criteria provided, single submitter. Criteria: DASA Assertion Criteria. Collection method: clinical testing. Allele origin: germline.
Comment: NM_007118.4(TRIO):c.4394A>G (p.Asn1465Ser) is a missense variant that results in the substitution of asparagine with serine. The affected residue or protein region has prior evidence supporting clinical relevance. This variant has been reported in individuals with TRIO-related disorders (PMID: 36987741). Functional evidence supports an impact on the gene or gene product (PMID: 36987741). Also, this variant is absent from population databases. Based on the currently available evidence, this variant is classified as likely pathogenic.

Women's Health and Genetics/Laboratory Corporation of America, LabCorp
Classification: Pathogenic for TRIO-Related Intellectual Disability. Last evaluated: 2025-03-06. Review status: criteria provided, single submitter. Criteria: LabCorp Variant Classification Summary - May 2015. Collection method: clinical testing. Allele origin: germline.
Comment: Variant summary: TRIO c.4394A>G (p.Asn1465Ser) results in a conservative amino acid change located in the Dbl homology (DH) domain (IPR000219) of the encoded protein sequence. Four of five in-silico tools predict a damaging effect of the variant on protein function. The variant was absent in 242190 control chromosomes. c.4394A>G has been reported in the literature in individuals affected with TRIO-Related Intellectual Disability (Gazdagh_2023, Mercan_2023). These data indicate that the variant may be associated with disease. The variant protein was confirmed as to be Loss-of-Function since it could not activate RAC1, performing identically to a non-functional form of TRIO (Gazdagh_2023). The following publications have been ascertained in the context of this evaluation (PMID: 36987741, 36371492). ClinVar contains an entry for this variant (Variation ID: 976785). Based on the evidence outlined above, the variant was classified as pathogenic.

Institute of Human Genetics, University of Leipzig Medical Center
Classification: Likely pathogenic for Intellectual developmental disorder, autosomal dominant 44, with microcephaly. Last evaluated: 2025-03-04. Review status: criteria provided, single submitter. Criteria: ACMG Guidelines, 2015. Collection method: clinical testing. Allele origin: de novo. Inheritance: Autosomal dominant inheritance. Affected: yes.
Comment: Criteria applied: PS4_MOD,PM1,PM2,PP3,PS2_MOD

3billion
Classification: Pathogenic for Intellectual developmental disorder, autosomal dominant 44, with microcephaly. Last evaluated: 2025-02-24. Review status: criteria provided, single submitter. Criteria: ACMG Guidelines, 2015. Collection method: clinical testing. Allele origin: germline. Affected: yes.
Comment: The variant is not observed in the gnomAD v4.1.0 dataset. Predicted Consequence/Location: Missense variant In silico tool predictions suggest damaging effect of the variant on gene or gene product [REVEL: 0.77 (>=0.6, sensitivity 0.68 and specificity 0.92)]. The same nucleotide change resulting in the same amino acid change has been previously reported as pathogenic/likely pathogenic with strong evidence (ClinVar ID: VCV000976785 /PMID: 36371492 /3billion dataset). The variant has been previously reported as de novo in a similarly affected individual (PMID: 36371492). The variant has been previously reported as assumed (i.e. paternity and maternity not confirmed) de novo in at least one similarly affected unrelated individual (3billion dataset). Therefore, this variant is classified as Pathogenic according to the recommendation of ACMG/AMP guideline.

Blueprint Genetics
Classification: Pathogenic for TRIO-related disorders. Last evaluated: 2024-04-22. Review status: criteria provided, single submitter. Criteria: ACMG Guidelines, 2015. Collection method: clinical testing. Allele origin: de novo. Affected: yes. Observed: 2 variant alleles.

Genomic Medicine Center of Excellence, King Faisal Specialist Hospital and Research Centre
Classification: Pathogenic for Intellectual developmental disorder, autosomal dominant 44, with microcephaly. Last evaluated: 2024-03-26. Review status: criteria provided, single submitter. Criteria: ACMG Guidelines, 2015. Collection method: clinical testing. Allele origin: germline.

Greenwood Genetic Center Diagnostic Laboratories, Greenwood Genetic Center
Classification: Pathogenic for TRIO-related disorder. Last evaluated: 2023-07-03. Review status: criteria provided, single submitter. Criteria: ACMG Guidelines, 2015. Collection method: clinical testing. Allele origin: germline. Affected: yes.
Comment: PS3, PS4_Moderate, PM2, PP2, PP3

GeneDx
Classification: Pathogenic. Last evaluated: 2023-02-15. Review status: criteria provided, single submitter. Criteria: GeneDx Variant Classification Process June 2021. Collection method: clinical testing. Allele origin: germline. Affected: yes.
Comment: Not observed at significant frequency in large population cohorts (gnomAD); In silico analysis supports that this missense variant has a deleterious effect on protein structure/function; This variant is associated with the following publications: (PMID: 27535533, 36371492)

Baylor Genetics
Classification: Pathogenic for Intellectual developmental disorder, autosomal dominant 63, with macrocephaly. Last evaluated: 2022-10-13. Review status: criteria provided, single submitter. Criteria: ACMG Guidelines, 2015. Collection method: clinical testing. Allele origin: unknown.

Baylor Genetics
Classification: Pathogenic for Intellectual developmental disorder, autosomal dominant 44, with microcephaly. Last evaluated: 2022-10-13. Review status: criteria provided, single submitter. Criteria: ACMG Guidelines, 2015. Collection method: clinical testing. Allele origin: unknown.

NM_007118.4(TRIO):c.4394A>G (p.Asn1465Ser)

Gene: TRIO (trio Rho guanine nucleotide exchange factor; plus strand). Cytogenetic location: 5p15.2.
Variant type: single nucleotide variant.
Coding change: c.4394A>G on transcript NM_007118.4 (MANE Select); coding-DNA position 4394, A replaced by G.
Protein change: p.Asn1465Ser; replaces asparagine 1465 with serine.
Molecular consequence: missense variant. On other transcripts: non-coding transcript variant (1).
Genome position (GRCh38, 1-based): chr5:14,397,125, A>G. VCF-style: chr5-14397125-A-G. GRCh37 (hg19) VCF-style: chr5-14397234-A-G.
Other names: short protein forms N1465S.
Identifiers: ClinVar variation 976785 (VCV000976785.25), dbSNP rs1747669042, ClinGen allele CA359233714.